The following is an entry in ClinVar:

ClinVar aggregate classification (germline): Uncertain significance (1 of 4 stars; one submission).

Conditions:
Immunodeficiency 25. Also called: Immunodeficiency due to defect in cd3-zeta, somatic. Identifiers: MedGen C1857798, MONDO:0012426, OMIM 610163.

Allele frequency attached by ClinVar (database versions not stated): gnomAD exomes below 0.00001; TOPMed below 0.00001; ExAC 0.00001.
gnomAD v4.1: 1 of 1,613,712 alleles (0.000062%); highest among the groups gnomAD compares: Non-Finnish European, 0.000085%; no homozygotes.

Submission:

Labcorp Genetics (formerly Invitae), Labcorp
Classification: Uncertain significance for Immunodeficiency 25. Last evaluated: 2019-04-23. Review status: criteria provided, single submitter. Criteria: Invitae Variant Classification Sherloc (09022015). Collection method: clinical testing. Allele origin: germline.
Comment: In summary, the available evidence is currently insufficient to determine the role of this variant in disease. Therefore, it has been classified as a Variant of Uncertain Significance. Algorithms developed to predict the effect of missense changes on protein structure and function output the following: SIFT: "Tolerated"; PolyPhen-2: "Benign"; Align-GVGD: "Class C0". The glycine amino acid residue is found in multiple mammalian species, suggesting that this missense change does not adversely affect protein function. These predictions have not been confirmed by published functional studies and their clinical significance is uncertain. This variant has not been reported in the literature in individuals with CD247-related conditions. This variant is present in population databases (rs779397562, ExAC 0.001%). This sequence change replaces arginine with glycine at codon 79 of the CD247 protein (p.Arg79Gly). The arginine residue is moderately conserved and there is a moderate physicochemical difference between arginine and glycine.

NM_198053.3(CD247):c.235C>G (p.Arg79Gly)

Gene: CD247 (CD247 molecule; minus strand). Cytogenetic location: 1q24.2.
Variant type: single nucleotide variant.
Coding change: c.235C>G on transcript NM_198053.3 (MANE Select); coding-DNA position 235, C replaced by G.
Protein change: p.Arg79Gly; replaces arginine 79 with glycine.
Molecular consequence: missense variant.
Genome position (GRCh38, 1-based): chr1:167,438,635, G>C on the plus strand (C>G on the coding strand, the complement: CD247 is on the minus strand). VCF-style: chr1-167438635-G-C. GRCh37 (hg19) VCF-style: chr1-167407872-G-C.
Other names: c.235C>G, p.Arg79Gly (NM_000734.4); c.328C>G, p.Arg110Gly (NM_001378515.1, NM_001378516.1); short protein forms R110G, R79G.
Identifiers: ClinVar variation 948788 (VCV000948788.6), dbSNP rs779397562, ClinGen allele CA1226037.
Genomic context (GRCh38, chr1:167,438,635, plus strand): 5'-TTCCCCCCATCTCAGGGTCCCGGCCACGTCTCTTGTCCAAAACATCGTACTCCTCTCTTC[G>C]TCCTAGATTGAGCTCCTATAACAGATAAGAAAGTGTCAGACACAGGACGGAGGAACCTCA-3'
Protein context (NP_932170.1, residues 69-89): NQLYNELNLG[Arg79Gly]REEYDVLDKR